The following is an entry in ClinVar:

NM_000384.3(APOB):c.741_745del (p.Thr248fs)

Gene: APOB (apolipoprotein B; minus strand). Cytogenetic location: 2p24.1.
Variant type: Deletion.
Coding change: c.741_745del on transcript NM_000384.3 (MANE Select); coding-DNA positions 741 to 745, 5 bases deleted (CACAC; older notation c.741_745delCACAC).
Protein change: p.Thr248fs; shifts the reading frame from threonine 248.
Molecular consequence: frameshift variant.
Genome position (GRCh38, 1-based): chr2:21,035,657-21,035,661, GTGTG deleted on the plus strand (CACAC on the coding strand, the reverse complement: APOB is on the minus strand). VCF-style (leftmost placement, unchanged base first): chr2-21035656-AGTGTG-A. GRCh37 (hg19) VCF-style: chr2-21258528-AGTGTG-A.
Other names: c.741_745del (NM_000384.2); short protein forms T248fs.
Identifiers: ClinVar variation 2949610 (VCV002949610.4), dbSNP rs1663984693, ClinGen allele CA2493488207.

ClinVar aggregate classification (germline): Pathogenic/Likely pathogenic. Review status: criteria provided, multiple submitters, no conflicts (2 of 4 stars). 2 submissions from 2 submitters: Pathogenic (1); Likely pathogenic (1). Last evaluated 2024-01-29.

Conditions:
Hypercholesterolemia, autosomal dominant, type B (FHCL2). Also called: APOB-Related Familial Hypercholesterolemia, Autosomal Dominant; Familial Hypercholesterolemia Type B; APOLIPOPROTEIN B-100, FAMILIAL DEFECTIVE; APOLIPOPROTEIN B-100, FAMILIAL LIGAND-DEFECTIVE; HYPERCHOLESTEROLEMIA, FAMILIAL, DUE TO LIGAND-DEFECTIVE APOLIPOPROTEIN B; Hyperlipoproteinemia Type IIb. Identifiers: MedGen C1704417, MONDO:0007751, OMIM 144010.
Familial hypobetalipoproteinemia 1. Also called: Hypobetalipoproteinemia, normotriglyceridemic; Acanthocytosis with hypobetalipoproteinemia; APOB-Related Familial Hypobetalipoproteinemia. Identifiers: MedGen C4551990, MONDO:0014252, OMIM 615558.

Allele frequency attached by ClinVar (database versions not stated): gnomAD exomes below 0.00001.

Submissions (2):

Labcorp Genetics (formerly Invitae), Labcorp
Classification: Pathogenic for Familial hypobetalipoproteinemia 1; Hypercholesterolemia, autosomal dominant, type B. Last evaluated: 2024-01-29. Review status: criteria provided, single submitter. Criteria: Invitae Variant Classification Sherloc (09022015). Collection method: clinical testing. Allele origin: germline.
Comment: This sequence change creates a premature translational stop signal (p.Thr248Glyfs*3) in the APOB gene. It is expected to result in an absent or disrupted protein product. Loss-of-function variants in APOB are known to be pathogenic (PMID: 20032471). This variant is not present in population databases (gnomAD no frequency). This premature translational stop signal has been observed in individual(s) with APOB-related conditions (PMID: 29572815). For these reasons, this variant has been classified as Pathogenic.

GeneDx
Classification: Likely pathogenic. Last evaluated: 2023-09-18. Review status: criteria provided, single submitter. Criteria: GeneDx Variant Classification Process June 2021. Collection method: clinical testing. Allele origin: germline. Affected: yes.
Comment: Not observed at significant frequency in large population cohorts (gnomAD); Frameshift variant predicted to result in protein truncation or nonsense mediated decay in a gene for which loss of function is a known mechanism of disease; This variant is associated with the following publications: (PMID: 29572815, 33207932, 33111339)

Literature cited by the submitters: PubMed 20032471 (cited by Labcorp Genetics (formerly Invitae), Labcorp); PubMed 29572815 (cited by Labcorp Genetics (formerly Invitae), Labcorp).